The following is an entry in ClinVar:

ClinVar aggregate classification (germline): Conflicting classifications of pathogenicity. Review status: criteria provided, conflicting classifications (1 of 4 stars). 4 submissions from 4 submitters: Uncertain significance (2); Likely benign (1). 1 of the submissions does not count toward it. Last evaluated 2025-02-21.

Conditions:
Ehlers-Danlos syndrome, classic type, 1 (EDSCL1). Also called: EDS I; EHLERS-DANLOS SYNDROME, GRAVIS TYPE; EHLERS-DANLOS SYNDROME, SEVERE CLASSIC TYPE; Ehlers-Danlos Syndrome, Classic Type, COL5A1-Related; Ehlers-Danlos syndrome, type 1. Identifiers: MedGen C0268335, MONDO:0019567, OMIM 130000.
COL5A1-related disorder. Also called: COL5A1-related condition.

Allele frequency attached by ClinVar (database versions not stated): gnomAD 0.00001; TOPMed 0.00001.
gnomAD v4.1: 15 of 1,613,170 alleles (0.00093%); highest among the groups gnomAD compares: Non-Finnish European, 0.0013%; no homozygotes.

Submissions (4):

Women's Health and Genetics/Laboratory Corporation of America, LabCorp
Classification: Uncertain significance. Last evaluated: 2025-02-21. Review status: criteria provided, single submitter. Criteria: LabCorp Variant Classification Summary - May 2015. Collection method: clinical testing. Allele origin: germline.
Comment: Variant summary: COL5A1 c.2430+4A>C alters a conserved nucleotide located close to a canonical splice site and therefore could affect mRNA splicing, leading to a significantly altered protein sequence. Computational tools predict a significant impact on normal splicing: One predicts the variant weakens a 5' donor site. Two predict the variant strengthens a cryptic 3' acceptor site. One predict the variant no significant impact on splicing. However, these predictions have yet to be confirmed by functional studies. The variant allele was found at a frequency of 9.3e-06 in 1613170 control chromosomes (gnomAD v4.1). This frequency is not significantly higher than estimated for a pathogenic variant in COL5A1 causing Ehlers-Danlos syndrome, classic type, Ehlers-Danlos syndrome, classic type, 1 (9.3e-06 vs 3.1e-05), allowing no conclusion about variant significance. To our knowledge, no occurrence of c.2430+4A>C in individuals affected with Ehlers-Danlos syndrome, classic type, Ehlers-Danlos syndrome, classic type, 1 and no experimental evidence demonstrating its impact on protein function have been reported. ClinVar contains an entry for this variant (Variation ID: 680333). Based on the evidence outlined above, the variant was classified as uncertain significance.

Labcorp Genetics (formerly Invitae), Labcorp
Classification: Uncertain significance for Ehlers-Danlos syndrome, classic type, 1. Last evaluated: 2023-11-17. Review status: criteria provided, single submitter. Criteria: Invitae Variant Classification Sherloc (09022015). Collection method: clinical testing. Allele origin: germline.
Comment: This sequence change falls in intron 28 of the COL5A1 gene. It does not directly change the encoded amino acid sequence of the COL5A1 protein. It affects a nucleotide within the consensus splice site. This variant is present in population databases (no rsID available, gnomAD 0.007%). This variant has not been reported in the literature in individuals affected with COL5A1-related conditions. ClinVar contains an entry for this variant (Variation ID: 680333). Variants that disrupt the consensus splice site are a relatively common cause of aberrant splicing (PMID: 17576681, 9536098). Algorithms developed to predict the effect of sequence changes on RNA splicing suggest that this variant may create or strengthen a splice site. In summary, the available evidence is currently insufficient to determine the role of this variant in disease. Therefore, it has been classified as a Variant of Uncertain Significance.

GeneDx
Classification: Likely benign. Last evaluated: 2018-03-09. Review status: criteria provided, single submitter. Criteria: GeneDx Variant Classification (06012015). Collection method: clinical testing. Allele origin: germline. Affected: yes.
Comment: This variant is considered likely benign or benign based on one or more of the following criteria: it is a conservative change, it occurs at a poorly conserved position in the protein, it is predicted to be benign by multiple in silico algorithms, and/or has population frequency not consistent with disease.

PreventionGenetics, part of Exact Sciences
Classification: Likely benign for COL5A1-related condition. Last evaluated: 2023-01-26. Review status: no assertion criteria provided. Collection method: clinical testing. Allele origin: germline. Not counted in ClinVar's aggregate classification.
Comment: This variant is classified as likely benign based on ACMG/AMP sequence variant interpretation guidelines (Richards et al. 2015 PMID: 25741868, with internal and published modifications).

Literature cited by the submitters: PubMed 17576681 (cited by Labcorp Genetics (formerly Invitae), Labcorp); PubMed 9536098 (cited by Labcorp Genetics (formerly Invitae), Labcorp).

NM_000093.5(COL5A1):c.2430+4A>C

Gene: COL5A1 (collagen type V alpha 1 chain; plus strand). Cytogenetic location: 9q34.3.
Variant type: single nucleotide variant.
Coding change: c.2430+4A>C on transcript NM_000093.5 (MANE Select); 4 bases into the intron after coding-DNA position 2430, A replaced by C.
Molecular consequence: intron variant.
Genome position (GRCh38, 1-based): chr9:134,780,150, A>C. VCF-style: chr9-134780150-A-C. GRCh37 (hg19) VCF-style: chr9-137671996-A-C.
Other names: c.2430+4A>C (NM_000093.4, NM_001278074.1).
Identifiers: ClinVar variation 680333 (VCV000680333.7), dbSNP rs772211603, ClinGen allele CA467661968.